The following is an entry in ClinVar:

ClinVar aggregate classification (germline): Benign (1 of 4 stars; one submission).

Conditions:
Cataract 15 multiple types. Also called: CATARACT 15, LAMELLAR WITH SUTURAL OPACITIES. Identifiers: Orphanet 91492, MedGen C3809001, MONDO:0014110, OMIM 615274.

Allele frequency attached by ClinVar (database versions not stated): TOPMed 0.00008; 1000 Genomes Project 0.00040; 1000 Genomes Project 30x 0.00078.

Submission:

Illumina Laboratory Services, Illumina
Classification: Benign for Cataract 15 multiple types. Last evaluated: 2018-01-13. Review status: criteria provided, single submitter. Criteria: ICSL Variant Classification Criteria 13 December 2019. Collection method: clinical testing. Allele origin: germline.
Comment: This variant was observed in the ICSL laboratory as part of a predisposition screen in an ostensibly healthy population. It had not been previously curated by ICSL or reported in the Human Gene Mutation Database (HGMD: prior to June 1st, 2018), and was therefore a candidate for classification through an automated scoring system. Utilizing variant allele frequency, disease prevalence and penetrance estimates, and inheritance mode, an automated score was calculated to assess if this variant is too frequent to cause the disease. Based on the score and internal cut-off values, a variant classified as benign is not then subjected to further curation. The score for this variant resulted in a classification of benign for this disease.

NM_012064.4(MIP):c.*1373A>G

Gene: MIP (major intrinsic protein of lens fiber; minus strand). Cytogenetic location: 12q13.3.
Variant type: single nucleotide variant.
Coding change: c.*1373A>G on transcript NM_012064.4 (MANE Select); 1373 bases downstream of the stop codon, A replaced by G.
Molecular consequence: 3 prime UTR variant.
Genome position (GRCh38, 1-based): chr12:56,449,907, T>C on the plus strand (A>G on the coding strand, the complement: MIP is on the minus strand). VCF-style: chr12-56449907-T-C. GRCh37 (hg19) VCF-style: chr12-56843691-T-C.
Identifiers: ClinVar variation 309862 (VCV000309862.5), dbSNP rs181959264, ClinGen allele CA10642906.
Genomic context (GRCh38, chr12:56,449,907, plus strand): 5'-GGCCTCTGCTGAGATGATCTTGCCAAAAGGAAAAGAAAATAGGGCTGTGCTCTGGCCCCC[T>C]GTAATCCCAGCTACTGGGGAGGCTGAAGCAGGAAGATCGCTTGAGCCCAGGATTTCTAGA-3'